The following is an entry in ClinVar:

NM_005477.3(HCN4):c.1159C>G (p.Arg387Gly)

Genes: HCN4 (hyperpolarization activated cyclic nucleotide gated potassium channel 4; minus strand), LOC105370890 (uncharacterized LOC105370890; plus strand), LOC126862173 (CDK7 strongly-dependent group 2 enhancer GRCh37_chr15:73635762-73636961; plus strand). Cytogenetic location: 15q24.1.
Variant type: single nucleotide variant.
Coding change: c.1159C>G on transcript NM_005477.3 (MANE Select); coding-DNA position 1159, C replaced by G.
Protein change: p.Arg387Gly; replaces arginine 387 with glycine.
Molecular consequence: missense variant.
Genome position (GRCh38, 1-based): chr15:73,343,435, G>C on the plus strand (C>G on the coding strand, the complement: HCN4 is on the minus strand). VCF-style: chr15-73343435-G-C. GRCh37 (hg19) VCF-style: chr15-73635776-G-C.
Other names: c.1159C>G (NM_005477.2); short protein forms R387G.
Identifiers: ClinVar variation 1024445 (VCV001024445.14), dbSNP rs1420807618, ClinGen allele CA393094724.
Genomic context (GRCh38, chr15:73,343,435, plus strand): 5'-GACCACTTACCTCTTCCCACTGGTGAATATATCGAATGAGGCGGGAGAGGCGTAACAGGC[G>C]TAAGAGGCTGAGGATCTTCGTGAAGCGGACAATGCGCAGGGCCCGGGCAGTCTTGTAGAC-3'
Protein context (NP_005468.1, residues 377-397): VRFTKILSLL[Arg387Gly]LLRLSRLIRY

ClinVar aggregate classification (germline): Uncertain significance. Review status: criteria provided, multiple submitters, no conflicts (2 of 4 stars). 2 submissions from 2 submitters: Uncertain significance (2). Last evaluated 2025-11-24.

Conditions:
Brugada syndrome 8 (BRGDA8). Identifiers: Orphanet 130, MedGen C2751083, MONDO:0013148, OMIM 613123.
Cardiovascular phenotype. Identifiers: MedGen CN230736.

Allele frequency attached by ClinVar (database versions not stated): TOPMed 0.00001.
gnomAD v4.1: 7 of 1,614,058 alleles (0.00043%); highest among the groups gnomAD compares: African/African-American, 0.0013%; no homozygotes.

Submissions (2):

Labcorp Genetics (formerly Invitae), Labcorp
Classification: Uncertain significance for Brugada syndrome 8. Last evaluated: 2025-11-24. Review status: criteria provided, single submitter. Criteria: Invitae Variant Classification Sherloc (09022015). Collection method: clinical testing. Allele origin: germline.
Comment: This sequence change replaces arginine, which is basic and polar, with glycine, which is neutral and non-polar, at codon 387 of the HCN4 protein (p.Arg387Gly). This variant is present in population databases (no rsID available, gnomAD 0.0009%). This variant has not been reported in the literature in individuals affected with HCN4-related conditions. ClinVar contains an entry for this variant (Variation ID: 1024445). Invitae Evidence Modeling of protein sequence and biophysical properties (such as structural, functional, and spatial information, amino acid conservation, physicochemical variation, residue mobility, and thermodynamic stability) indicates that this missense variant is expected to disrupt HCN4 protein function with a positive predictive value of 95%. In summary, the available evidence is currently insufficient to determine the role of this variant in disease. Therefore, it has been classified as a Variant of Uncertain Significance.

Ambry Genetics
Classification: Uncertain significance for Cardiovascular phenotype. Last evaluated: 2025-11-10. Review status: criteria provided, single submitter. Criteria: Ambry Variant Classification Scheme 2023. Collection method: clinical testing. Allele origin: germline.
Comment: The p.R387G variant (also known as c.1159C>G), located in coding exon 2 of the HCN4 gene, results from a C to G substitution at nucleotide position 1159. The arginine at codon 387 is replaced by glycine, an amino acid with dissimilar properties. This amino acid position is highly conserved in available vertebrate species. In addition, this alteration is predicted to be deleterious by in silico analysis. Since supporting evidence is limited at this time, the clinical significance of this alteration remains unclear.